The following is an entry in ClinVar:

ClinVar aggregate classification (germline): Uncertain significance (1 of 4 stars; one submission).

Conditions:
Kabuki syndrome. Also called: Kabuki make-up syndrome; NIIKAWA-KUROKI SYNDROME. Identifiers: Orphanet 2322, MedGen C0796004, MONDO:0016512.

Allele frequency attached by ClinVar (database versions not stated): gnomAD exomes below 0.00001.
gnomAD v4.1: 3 of 1,611,928 alleles (0.00019%); highest among the groups gnomAD compares: Non-Finnish European, 0.00025%; no homozygotes.

Submission:

Labcorp Genetics (formerly Invitae), Labcorp
Classification: Uncertain significance for Kabuki syndrome. Last evaluated: 2026-01-12. Review status: criteria provided, single submitter. Criteria: Invitae Variant Classification Sherloc (09022015). Collection method: clinical testing. Allele origin: germline.
Comment: This sequence change replaces arginine, which is basic and polar, with tryptophan, which is neutral and slightly polar, at codon 1326 of the KMT2D protein (p.Arg1326Trp). The frequency data for this variant in the population databases is considered unreliable, as metrics indicate poor data quality at this position in the gnomAD database. This variant has not been reported in the literature in individuals affected with KMT2D-related conditions. ClinVar contains an entry for this variant (Variation ID: 1508394). Invitae Evidence Modeling of protein sequence and biophysical properties (such as structural, functional, and spatial information, amino acid conservation, physicochemical variation, residue mobility, and thermodynamic stability) has been performed for this missense variant. However, the output from this modeling did not meet the statistical confidence thresholds required to predict the impact of this variant on KMT2D protein function. In summary, the available evidence is currently insufficient to determine the role of this variant in disease. Therefore, it has been classified as a Variant of Uncertain Significance.

NM_003482.4(KMT2D):c.3976C>T (p.Arg1326Trp)

Genes: KMT2D (lysine methyltransferase 2D; minus strand), LOC126861520 (CDK7 strongly-dependent group 2 enhancer GRCh37_chr12:49442744-49443943; plus strand). Cytogenetic location: 12q13.12.
Variant type: single nucleotide variant.
Coding change: c.3976C>T on transcript NM_003482.4 (MANE Select); coding-DNA position 3976, C replaced by T.
Protein change: p.Arg1326Trp; replaces arginine 1326 with tryptophan.
Molecular consequence: missense variant.
Genome position (GRCh38, 1-based): chr12:49,049,149, G>A on the plus strand (C>T on the coding strand, the complement: KMT2D is on the minus strand). VCF-style: chr12-49049149-G-A. GRCh37 (hg19) VCF-style: chr12-49442932-G-A.
Other names: short protein forms R1326W.
Identifiers: ClinVar variation 1508394 (VCV001508394.8), dbSNP rs886049484, ClinGen allele CA10642426.